The following is an entry in ClinVar:

ClinVar aggregate classification (germline): Benign/Likely benign. Review status: criteria provided, multiple submitters, no conflicts (2 of 4 stars). 5 submissions from 5 submitters: Benign (1); Likely benign (4). Last evaluated 2025-07-23.

Conditions:
Familial adenomatous polyposis 1 (FAP1). Also called: POLYPOSIS, ADENOMATOUS INTESTINAL; FAMILIAL ADENOMATOUS POLYPOSIS 1, ATTENUATED. Identifiers: MedGen C2713442, MONDO:0021056, OMIM 175100. Disease mechanism: loss of function.
Classic or attenuated familial adenomatous polyposis. Identifiers: MedGen CN372698, MONDO:0021057.
Hereditary cancer-predisposing syndrome. Also called: Hereditary neoplastic syndrome; Neoplastic Syndromes, Hereditary; Tumor predisposition; Hereditary Cancer Syndrome. Identifiers: Orphanet 140162, MedGen C0027672, MeSH D009386, MONDO:0015356.

Allele frequency attached by ClinVar (database versions not stated): TOPMed below 0.00001.
gnomAD v4.1: 7 of 1,613,728 alleles (0.00043%); highest among the groups gnomAD compares: Non-Finnish European, 0.00059%; no homozygotes.

Submissions (5):

Labcorp Genetics (formerly Invitae), Labcorp
Classification: Likely benign for Familial adenomatous polyposis 1. Last evaluated: 2025-07-23. Review status: criteria provided, single submitter. Criteria: Invitae Variant Classification Sherloc (09022015). Collection method: clinical testing. Allele origin: germline.

Myriad Genetics, Inc.
Classification: Benign for Familial adenomatous polyposis 1. Last evaluated: 2024-04-08. Review status: criteria provided, single submitter. Criteria: Myriad Autosomal Dominant, Autosomal Recessive and X-Linked Classification Criteria (2023). Collection method: clinical testing. Allele origin: unknown.
Comment: This variant is considered benign. This variant is a silent/synonymous amino acid change and it is not expected to impact splicing.

All of Us Research Program, National Institutes of Health
Classification: Likely benign for Classic or attenuated familial adenomatous polyposis. Last evaluated: 2023-12-13. Review status: criteria provided, single submitter. Criteria: ACMG Guidelines, 2015. Collection method: clinical testing. Allele origin: germline. Inheritance: Autosomal dominant inheritance. Observed: 2 variant alleles, 2 heterozygotes.
Comment: This study involves interpretation of variants in research participants for the purpose of population health screening. Participant phenotype was not available at the time of variant classification. Additional details can be found in publication PMID: 35346344, PMCID: PMC8962531

Color Diagnostics, LLC DBA Color Health
Classification: Likely benign for Hereditary cancer-predisposing syndrome. Last evaluated: 2018-01-25. Review status: criteria provided, single submitter. Criteria: ACMG Guidelines, 2015. Collection method: clinical testing. Allele origin: germline.

Ambry Genetics
Classification: Likely benign for Hereditary cancer-predisposing syndrome. Last evaluated: 2015-12-10. Review status: criteria provided, single submitter. Criteria: Ambry Variant Classification Scheme 2023. Collection method: clinical testing. Allele origin: germline.

NM_000038.6(APC):c.7074C>T (p.Ser2358=)

Gene: APC (APC regulator of Wnt signaling pathway; plus strand). Cytogenetic location: 5q22.2.
Variant type: single nucleotide variant.
Coding change: c.7074C>T on transcript NM_000038.6 (MANE Select); coding-DNA position 7074, C replaced by T.
Protein change: p.Ser2358=; no amino-acid change (serine 2358 retained).
Molecular consequence: synonymous variant.
Genome position (GRCh38, 1-based): chr5:112,842,668, C>T. VCF-style: chr5-112842668-C-T. GRCh37 (hg19) VCF-style: chr5-112178365-C-T.
Other names: c.7074C>T, p.Ser2358= (NM_001127510.3, NM_001354895.2); c.7020C>T, p.Ser2340= (NM_001127511.3); c.7128C>T, p.Ser2376= (NM_001354896.2); c.7104C>T, p.Ser2368= (NM_001354897.2); c.6999C>T, p.Ser2333= (NM_001354898.2); c.6990C>T, p.Ser2330= (NM_001354899.2); c.6951C>T, p.Ser2317= (NM_001354900.2); c.6897C>T, p.Ser2299= (NM_001354901.2); and 5 more.
Identifiers: ClinVar variation 470075 (VCV000470075.21), dbSNP rs1554087974, ClinGen allele CA446210847.
Genomic context (GRCh38, chr5:112,842,668, plus strand): 5'-TCCTAACAAATTATCTCAACTTCCAAGGACATCATCCCCTAGTACTGCTTCAACTAAGTC[C>T]TCAGGTTCTGGAAAAATGTCATATACATCTCCAGGTAGACAGATGAGCCAACAGAACCTT-3'
Protein context (NP_000029.2, residues 2348-2368): TSSPSTASTK[Ser2358=]SGSGKMSYTS